The following is an entry in ClinVar:

NM_000434.4(NEU1):c.160G>A (p.Val54Met)

Gene: NEU1 (neuraminidase 1; minus strand). Cytogenetic location: 6p21.33.
Variant type: single nucleotide variant.
Coding change: c.160G>A on transcript NM_000434.4 (MANE Select); coding-DNA position 160, G replaced by A.
Protein change: p.Val54Met; replaces valine 54 with methionine.
Molecular consequence: missense variant.
Genome position (GRCh38, 1-based): chr6:31,862,191, C>T on the plus strand (G>A on the coding strand, the complement: NEU1 is on the minus strand). VCF-style: chr6-31862191-C-T. GRCh37 (hg19) VCF-style: chr6-31829968-C-T.
Other names: short protein forms V54M.
Identifiers: ClinVar variation 946976 (VCV000946976.12), dbSNP rs1762547799, ClinGen allele CA363496976.

ClinVar aggregate classification (germline): Pathogenic/Likely pathogenic. Review status: criteria provided, multiple submitters, no conflicts (2 of 4 stars). 2 submissions from 2 submitters: Pathogenic (1); Likely pathogenic (1). Last evaluated 2025-04-21.

Conditions:
Sialidosis. Identifiers: Orphanet 309294, MedGen C0268226, MONDO:0017734.

Allele frequency attached by ClinVar (database versions not stated): gnomAD exomes below 0.00001.
gnomAD v4.1: 1 of 1,612,684 alleles (0.000062%); highest among the groups gnomAD compares: Non-Finnish European, 0.000085%; no homozygotes.

Submissions (2):

Women's Health and Genetics/Laboratory Corporation of America, LabCorp
Classification: Likely pathogenic for Sialidosis. Last evaluated: 2025-04-21. Review status: criteria provided, single submitter. Criteria: LabCorp Variant Classification Summary - May 2015. Collection method: clinical testing. Allele origin: germline.
Comment: Variant summary: NEU1 c.160G>A (p.Val54Met) results in a conservative amino acid change in the encoded protein sequence. Four of five in-silico tools predict a damaging effect of the variant on protein function. Consensus agreement among computation tools predict no significant impact on normal splicing. However, these predictions have yet to be confirmed by functional studies. The variant was absent in 246068 control chromosomes. c.160G>A has been observed in individual(s) affected with Sialidosis (Bonten_2000). These data indicate that the variant may be associated with disease. At least one publication reports experimental evidence evaluating an impact on protein function showing that mice carrying the p.Val54Met variant recapitulated features of Sialidosis (Bonten_2013). The following publications have been ascertained in the context of this evaluation (PMID: 23770387, 11063730). ClinVar contains an entry for this variant (Variation ID: 946976). Based on the evidence outlined above, the variant was classified as likely pathogenic.

Labcorp Genetics (formerly Invitae), Labcorp
Classification: Pathogenic. Last evaluated: 2024-02-05. Review status: criteria provided, single submitter. Criteria: Invitae Variant Classification Sherloc (09022015). Collection method: clinical testing. Allele origin: germline.
Comment: This sequence change replaces valine, which is neutral and non-polar, with methionine, which is neutral and non-polar, at codon 54 of the NEU1 protein (p.Val54Met). This variant is not present in population databases (gnomAD no frequency). This missense change has been observed in individual(s) with sialidosis (PMID: 11063730). It has also been observed to segregate with disease in related individuals. ClinVar contains an entry for this variant (Variation ID: 946976). An algorithm developed to predict the effect of missense changes on protein structure and function (PolyPhen-2) suggests that this variant is likely to be disruptive. Experimental studies have shown that this missense change affects NEU1 function (PMID: 23770387). For these reasons, this variant has been classified as Pathogenic.

Literature cited by the submitters: PubMed 11063730 (cited by Women's Health and Genetics/Laboratory Corporation of America, LabCorp and Labcorp Genetics (formerly Invitae), Labcorp); PubMed 23770387 (cited by Women's Health and Genetics/Laboratory Corporation of America, LabCorp and Labcorp Genetics (formerly Invitae), Labcorp).